The following is an entry in ClinVar:

NM_177438.3(DICER1):c.978A>C (p.Val326=)

Gene: DICER1 (dicer 1, ribonuclease III; minus strand). Cytogenetic location: 14q32.13.
Variant type: single nucleotide variant.
Coding change: c.978A>C on transcript NM_177438.3 (MANE Select); coding-DNA position 978, A replaced by C.
Protein change: p.Val326=; no amino-acid change (valine 326 retained).
Molecular consequence: synonymous variant.
Genome position (GRCh38, 1-based): chr14:95,124,594, T>G on the plus strand (A>C on the coding strand, the complement: DICER1 is on the minus strand). VCF-style: chr14-95124594-T-G. GRCh37 (hg19) VCF-style: chr14-95590931-T-G.
Other names: c.978A>C, p.Val326= (NM_001195573.1, NM_001271282.3, NM_001291628.2 and 1 more transcripts).
Identifiers: ClinVar variation 1153787 (VCV001153787.11), dbSNP rs781090715, ClinGen allele CA487845998.

ClinVar aggregate classification (germline): Benign/Likely benign. Review status: criteria provided, multiple submitters, no conflicts (2 of 4 stars). 3 submissions from 3 submitters: Benign (1); Likely benign (2). Last evaluated 2026-08-19.

Conditions:
DICER1-related tumor predisposition. Also called: DICER1-related pleuropulmonary blastoma cancer predisposition syndrome; DICER1 syndrome. Identifiers: Orphanet 284343, MedGen C3839822, MONDO:0100216.
Hereditary cancer-predisposing syndrome. Also called: Hereditary Cancer Syndrome; Hereditary neoplastic syndrome; Neoplastic Syndromes, Hereditary; Tumor predisposition. Identifiers: Orphanet 140162, MedGen C0027672, MeSH D009386, MONDO:0015356.

Submissions (3):

Myriad Genetics, Inc.
Classification: Benign for DICER1-related tumor predisposition. Last evaluated: 2026-08-19. Review status: criteria provided, single submitter. Criteria: Myriad Autosomal Dominant, Autosomal Recessive and X-Linked Classification Criteria (2023). Collection method: clinical testing. Allele origin: unknown.
Comment: This variant is considered benign. This variant is a silent/synonymous amino acid change and it is not expected to impact splicing.

Labcorp Genetics (formerly Invitae), Labcorp
Classification: Likely benign for DICER1-related tumor predisposition. Last evaluated: 2021-12-09. Review status: criteria provided, single submitter. Criteria: Invitae Variant Classification Sherloc (09022015). Collection method: clinical testing. Allele origin: germline.

Ambry Genetics
Classification: Likely benign for Hereditary cancer-predisposing syndrome. Last evaluated: 2021-06-30. Review status: criteria provided, single submitter. Criteria: Ambry Variant Classification Scheme 2023. Collection method: clinical testing. Allele origin: germline.